The following is an entry in ClinVar:

ClinVar aggregate classification (germline): Uncertain significance (1 of 4 stars; one submission).

Submission:

Labcorp Genetics (formerly Invitae), Labcorp
Classification: Uncertain significance. Last evaluated: 2021-05-06. Review status: criteria provided, single submitter. Criteria: Invitae Variant Classification Sherloc (09022015). Collection method: clinical testing. Allele origin: germline.
Comment: In summary, the available evidence is currently insufficient to determine the role of this variant in disease. Therefore, it has been classified as a Variant of Uncertain Significance. This variant is not present in population databases (ExAC no frequency). This sequence change replaces glycine with arginine at codon 611 of the ERCC3 protein (p.Gly611Arg). The glycine residue is moderately conserved and there is a moderate physicochemical difference between glycine and arginine. Algorithms developed to predict the effect of missense changes on protein structure and function are either unavailable or do not agree on the potential impact of this missense change (SIFT: "Deleterious"; PolyPhen-2: "Probably Damaging"; Align-GVGD: "Class C0"). This variant has not been reported in the literature in individuals with ERCC3-related conditions.

NM_000122.2(ERCC3):c.1831G>C (p.Gly611Arg)

Gene: ERCC3 (ERCC excision repair 3, TFIIH core complex helicase subunit; minus strand). Cytogenetic location: 2q14.3.
Variant type: single nucleotide variant.
Coding change: c.1831G>C on transcript NM_000122.2 (MANE Select); coding-DNA position 1831, G replaced by C.
Protein change: p.Gly611Arg; replaces glycine 611 with arginine.
Molecular consequence: missense variant.
Genome position (GRCh38, 1-based): chr2:127,271,450, C>G on the plus strand (G>C on the coding strand, the complement: ERCC3 is on the minus strand). VCF-style: chr2-127271450-C-G. GRCh37 (hg19) VCF-style: chr2-128029026-C-G.
Other names: c.1639G>C, p.Gly547Arg (NM_001303416.2, NM_001303418.2); short protein forms G547R, G611R.
Identifiers: ClinVar variation 1503920 (VCV001503920.8), dbSNP rs2104748074, ClinGen allele CA348387417.
Genomic context (GRCh38, chr2:127,271,450, plus strand): 5'-CACCATGGGATGAGATCTGAATGAGGACATTTGCTTCCGGCAGATCAAACGAAGTGTCAC[C>G]TACCTACAGAAACAAGTTGGAAGGTTTTTATATATGAGGAAAAAAAAAAAGTCAACTGAT-3'
Protein context (NP_000113.1, residues 601-621): KINTIFISKV[Gly611Arg]DTSFDLPEAN